The following is an entry in ClinVar:

NM_001080467.3(MYO5B):c.137C>T (p.Thr46Met)

Gene: MYO5B (myosin VB; minus strand). Cytogenetic location: 18q21.1.
Variant type: single nucleotide variant.
Coding change: c.137C>T on transcript NM_001080467.3 (MANE Select); coding-DNA position 137, C replaced by T.
Protein change: p.Thr46Met; replaces threonine 46 with methionine.
Molecular consequence: missense variant.
Genome position (GRCh38, 1-based): chr18:50,055,269, G>A on the plus strand (C>T on the coding strand, the complement: MYO5B is on the minus strand). VCF-style: chr18-50055269-G-A. GRCh37 (hg19) VCF-style: chr18-47581639-G-A.
Other names: c.137C>T (NM_001080467.2); short protein forms T46M.
Identifiers: ClinVar variation 1500471 (VCV001500471.8), dbSNP rs756670641, ClinGen allele CA8962016.

ClinVar aggregate classification (germline): Uncertain significance. Review status: criteria provided, multiple submitters, no conflicts (2 of 4 stars). 3 submissions from 3 submitters: Uncertain significance (3). Last evaluated 2025-06-18.

Conditions:
Inborn genetic diseases. Identifiers: MedGen C0950123, MeSH D030342.

Submissions (3):

Ambry Genetics
Classification: Uncertain significance for Inborn genetic diseases. Last evaluated: 2025-06-18. Review status: criteria provided, single submitter. Criteria: Ambry Variant Classification Scheme 2023. Collection method: clinical testing. Allele origin: germline.

Labcorp Genetics (formerly Invitae), Labcorp
Classification: Uncertain significance. Last evaluated: 2022-06-27. Review status: criteria provided, single submitter. Criteria: Invitae Variant Classification Sherloc (09022015). Collection method: clinical testing. Allele origin: germline.
Comment: In summary, the available evidence is currently insufficient to determine the role of this variant in disease. Therefore, it has been classified as a Variant of Uncertain Significance. Algorithms developed to predict the effect of missense changes on protein structure and function are either unavailable or do not agree on the potential impact of this missense change (SIFT: "Deleterious"; PolyPhen-2: "Possibly Damaging"; Align-GVGD: "Class C0"). This variant has not been reported in the literature in individuals affected with MYO5B-related conditions. This variant is present in population databases (rs756670641, gnomAD 0.01%). This sequence change replaces threonine, which is neutral and polar, with methionine, which is neutral and non-polar, at codon 46 of the MYO5B protein (p.Thr46Met).

Breakthrough Genomics
Classification: Uncertain significance. Review status: criteria provided, single submitter. Criteria: ACMG Guidelines, 2015. Collection method: not provided. Allele origin: germline. Inheritance: Autosomal recessive inheritance. Affected: yes.